The following is an entry in ClinVar:

NM_001289104.2(PRKCSH):c.684-1G>A

Gene: PRKCSH (PRKCSH beta subunit of glucosidase II; plus strand). Cytogenetic location: 19p13.2.
Variant type: single nucleotide variant.
Coding change: c.684-1G>A on transcript NM_001289104.2 (MANE Select); the canonical splice acceptor site of the intron before coding-DNA position 684, G replaced by A.
Molecular consequence: splice acceptor variant.
Genome position (GRCh38, 1-based): chr19:11,446,271, G>A. VCF-style: chr19-11446271-G-A. GRCh37 (hg19) VCF-style: chr19-11557086-G-A.
Other names: c.684-1G>A (NM_001289103.2, NM_001379609.1, NM_001379608.1 and 3 more transcripts).
Identifiers: ClinVar variation 3310005 (VCV003310005.4).

ClinVar aggregate classification (germline): Likely pathogenic. Review status: criteria provided, multiple submitters, no conflicts (2 of 4 stars). 2 submissions from 2 submitters: Likely pathogenic (2). Last evaluated 2024-04-12.

Conditions:
Polycystic liver disease 1 (PCLD1). Also called: Polycystic liver disease 1 with or without kidney cysts. Identifiers: Orphanet 2924, MedGen C0887850, MONDO:0008265, OMIM 174050.
Inborn genetic diseases. Identifiers: MedGen C0950123, MeSH D030342.

Submissions (2):

Ambry Genetics
Classification: Likely pathogenic for Inborn genetic diseases. Last evaluated: 2024-04-12. Review status: criteria provided, single submitter. Criteria: Ambry Variant Classification Scheme 2023. Collection method: clinical testing. Allele origin: germline.
Comment: The c.684-1G>A intronic alteration consists of a G to A substitution one nucleotide before exon 9 of the PRKCSH gene. Alterations that disrupt the canonical splice site are expected to cause aberrant splicing, resulting in an abnormal protein or a transcript that is subject to nonsense-mediated mRNA decay. Based on data from gnomAD, the A allele has an overall frequency of <0.001% (1/249422) total alleles studied. The highest observed frequency was 0.006% (1/18348) of East Asian alleles. This nucleotide position is highly conserved in available vertebrate species. In silico splice site analysis predicts that this alteration will weaken the native splice acceptor site and will result in the creation or strengthening of a novel splice acceptor site. Based on the available evidence, this alteration is classified as likely pathogenic.

Juno Genomics, Hangzhou Juno Genomics, Inc
Classification: Likely pathogenic for Polycystic liver disease 1. Review status: criteria provided, single submitter. Criteria: ACMG Guidelines, 2015. Collection method: clinical testing. Allele origin: germline.
Comment: Absent from controls (or at extremely low frequency if recessive) in Genome Aggregation Database.;Null variant in a gene where loss of function (LOF) is a known mechanism of disease.